The following is an entry in ClinVar:

ClinVar aggregate classification (germline): Uncertain significance (1 of 4 stars; one submission).

Conditions:
WDR72-related disorder. Also called: WDR72-related condition.

gnomAD v4.1: 1 of 1,613,952 alleles (0.000062%); no homozygotes.

Submission:

PreventionGenetics, part of Exact Sciences
Classification: Uncertain significance for WDR72-related condition. Last evaluated: 2025-01-13. Review status: criteria provided, single submitter. Criteria: ACMG Guidelines, 2015. Collection method: clinical testing. Allele origin: germline.
Comment: The WDR72 c.901A>G variant is predicted to result in the amino acid substitution p.Lys301Glu. To our knowledge, this variant has not been reported in the literature or in a large population database (gnomAD), indicating this variant is rare. At this time, the clinical significance of this variant is uncertain due to the absence of conclusive functional and genetic evidence.

NM_182758.4(WDR72):c.901A>G (p.Lys301Glu)

Gene: WDR72 (WD repeat domain 72; minus strand). Cytogenetic location: 15q21.3.
Variant type: single nucleotide variant.
Coding change: c.901A>G on transcript NM_182758.4 (MANE Select); coding-DNA position 901, A replaced by G.
Protein change: p.Lys301Glu; replaces lysine 301 with glutamic acid.
Molecular consequence: missense variant. On other transcripts: non-coding transcript variant (1).
Genome position (GRCh38, 1-based): chr15:53,710,910, T>C on the plus strand (A>G on the coding strand, the complement: WDR72 is on the minus strand). VCF-style: chr15-53710910-T-C. GRCh37 (hg19) VCF-style: chr15-54003107-T-C.
Other names: short protein forms K301E.
Identifiers: ClinVar variation 4997285 (VCV004997285.1).